The following is an entry in ClinVar:

NM_001376.5(DYNC1H1):c.10079+93C>G

Gene: DYNC1H1 (dynein cytoplasmic 1 heavy chain 1; plus strand). Cytogenetic location: 14q32.31.
Variant type: single nucleotide variant.
Coding change: c.10079+93C>G on transcript NM_001376.5 (MANE Select); 93 bases into the intron after coding-DNA position 10079, C replaced by G.
Molecular consequence: intron variant.
Genome position (GRCh38, 1-based): chr14:102,032,560, C>G. VCF-style: chr14-102032560-C-G. GRCh37 (hg19) VCF-style: chr14-102498897-C-G.
Identifiers: ClinVar variation 678231 (VCV000678231.2), dbSNP rs17541394, ClinGen allele CA14024932.

ClinVar aggregate classification (germline): Benign. Review status: criteria provided, multiple submitters, no conflicts (2 of 4 stars). 2 submissions from 2 submitters: Benign (2). Last evaluated 2018-06-16.

Allele frequency attached by ClinVar (database versions not stated): 1000 Genomes Project 30x 0.01499; 1000 Genomes Project 0.01538; TOPMed 0.01614.
gnomAD v4.1: 4,239 of 1,529,238 alleles (0.28%); highest among the groups gnomAD compares: African/African-American, 5.2%; 111 homozygotes.

Submissions (2):

GeneDx
Classification: Benign. Last evaluated: 2018-06-16. Review status: criteria provided, single submitter. Criteria: GeneDx Variant Classification (06012015). Collection method: clinical testing. Allele origin: germline. Affected: yes.
Comment: This variant is considered likely benign or benign based on one or more of the following criteria: it is a conservative change, it occurs at a poorly conserved position in the protein, it is predicted to be benign by multiple in silico algorithms, and/or has population frequency not consistent with disease.

Breakthrough Genomics
Classification: Benign. Review status: criteria provided, single submitter. Criteria: ACMG Guidelines, 2015. Collection method: not provided. Allele origin: germline. Inheritance: Autosomal dominant inheritance. Affected: yes.